The following is an entry in ClinVar:

ClinVar aggregate classification (germline): Uncertain significance (1 of 4 stars; one submission).

Submission:

Labcorp Genetics (formerly Invitae), Labcorp
Classification: Uncertain significance. Last evaluated: 2022-07-09. Review status: criteria provided, single submitter. Criteria: Invitae Variant Classification Sherloc (09022015). Collection method: clinical testing. Allele origin: germline.
Comment: This sequence change falls in intron 32 of the COL7A1 gene. It does not directly change the encoded amino acid sequence of the COL7A1 protein. It affects a nucleotide within the consensus splice site. This variant is not present in population databases (gnomAD no frequency). This variant has not been reported in the literature in individuals affected with COL7A1-related conditions. Variants that disrupt the consensus splice site are a relatively common cause of aberrant splicing (PMID: 17576681, 9536098). Algorithms developed to predict the effect of sequence changes on RNA splicing suggest that this variant is not likely to affect RNA splicing. In summary, the available evidence is currently insufficient to determine the role of this variant in disease. Therefore, it has been classified as a Variant of Uncertain Significance.

Literature cited by the submitters: PubMed 17576681; PubMed 9536098.

NM_000094.4(COL7A1):c.3975+6C>T

Gene: COL7A1 (collagen type VII alpha 1 chain; minus strand). Cytogenetic location: 3p21.31.
Variant type: single nucleotide variant.
Coding change: c.3975+6C>T on transcript NM_000094.4 (MANE Select); 6 bases into the intron after coding-DNA position 3975, C replaced by T.
Molecular consequence: intron variant.
Genome position (GRCh38, 1-based): chr3:48,585,030, G>A on the plus strand (C>T on the coding strand, the complement: COL7A1 is on the minus strand). VCF-style: chr3-48585030-G-A. GRCh37 (hg19) VCF-style: chr3-48622463-G-A.
Identifiers: ClinVar variation 2015345 (VCV002015345.1), dbSNP rs2045136600, ClinGen allele CA2580070092.
Genomic context (GRCh38, chr3:48,585,030, plus strand): 5'-ACAGTCGGAGCCACCCCACCCACTCAGGCAGCGCCCACCCTGACCTGCAGGACAAGGCTT[G>A]CTCACCTTTAGGCCAGGGGCTCCAGGGGTCCCAGGATTCCCGGCGCGGCCAGGGCTGCCT-3'